The following is an entry in ClinVar:

ClinVar aggregate classification (germline): Likely benign (1 of 4 stars; one submission).

Conditions:
Gastrointestinal stromal tumor. Also called: Gastrointestinal stromal tumor, somatic; Gastrointestinal stroma tumor. Identifiers: Orphanet 44890, MedGen C0238198, MeSH D046152, MONDO:0011719, OMIM 606764, HP:0100723.

Submission:

Myriad Genetics, Inc.
Classification: Likely benign for Gastrointestinal stromal tumor. Last evaluated: 2026-05-26. Review status: criteria provided, single submitter. Criteria: Myriad Autosomal Dominant, Autosomal Recessive and X-Linked Classification Criteria (2023). Collection method: clinical testing. Allele origin: unknown.
Comment: This variant is considered likely benign. This variant is intronic and is not expected to impact mRNA splicing.

NM_000222.3(KIT):c.68-20G>T

Gene: KIT (KIT proto-oncogene, receptor tyrosine kinase; plus strand). Cytogenetic location: 4q12.
Variant type: single nucleotide variant.
Coding change: c.68-20G>T on transcript NM_000222.3 (MANE Select); 20 bases into the intron before coding-DNA position 68, G replaced by T.
Molecular consequence: intron variant.
Genome position (GRCh38, 1-based): chr4:54,695,492, G>T. VCF-style: chr4-54695492-G-T. GRCh37 (hg19) VCF-style: chr4-55561658-G-T.
Other names: c.68-20G>T (NM_001385284.1, NM_001385290.1, NM_001385288.1 and 4 more transcripts).
Identifiers: ClinVar variation 4875966 (VCV004875966.1).